The following is an entry in ClinVar:

ClinVar aggregate classification (germline): Uncertain significance (1 of 4 stars; one submission).

Conditions:
Long QT syndrome (LQTS). Identifiers: MedGen C0023976, MeSH D008133, MONDO:0002442. Disease mechanism: loss of function. Inheritance: Various modes of inheritance.

Allele frequency attached by ClinVar (database versions not stated): gnomAD exomes below 0.00001.
gnomAD v4.1: 4 of 1,610,714 alleles (0.00025%); highest among the groups gnomAD compares: Non-Finnish European, 0.00025%; no homozygotes.

Submission:

Labcorp Genetics (formerly Invitae), Labcorp
Classification: Uncertain significance for Long QT syndrome. Last evaluated: 2018-07-30. Review status: criteria provided, single submitter. Criteria: Invitae Variant Classification Sherloc (09022015). Collection method: clinical testing. Allele origin: germline.
Comment: This sequence change replaces phenylalanine with leucine at codon 850 of the AKAP9 protein (p.Phe850Leu). The phenylalanine residue is highly conserved and there is a small physicochemical difference between phenylalanine and leucine. This variant is not present in population databases (ExAC no frequency). This variant has not been reported in the literature in individuals with AKAP9-related disease. Algorithms developed to predict the effect of missense changes on protein structure and function are either unavailable or do not agree on the potential impact of this missense change (SIFT: "Deleterious"; PolyPhen-2: "Benign"; Align-GVGD: "Class C0"). In summary, the available evidence is currently insufficient to determine the role of this variant in disease. Therefore, it has been classified as a Variant of Uncertain Significance.

NM_005751.5(AKAP9):c.2550T>G (p.Phe850Leu)

Gene: AKAP9 (A-kinase anchoring protein 9; plus strand). Cytogenetic location: 7q21.2.
Variant type: single nucleotide variant.
Coding change: c.2550T>G on transcript NM_005751.5 (MANE Select); coding-DNA position 2550, T replaced by G.
Protein change: p.Phe850Leu; replaces phenylalanine 850 with leucine.
Molecular consequence: missense variant.
Genome position (GRCh38, 1-based): chr7:92,002,467, T>G. VCF-style: chr7-92002467-T-G. GRCh37 (hg19) VCF-style: chr7-91631781-T-G.
Other names: c.2550T>G, p.Phe850Leu (NM_147185.3); short protein forms F850L.
Identifiers: ClinVar variation 655257 (VCV000655257.1), dbSNP rs1584043537, ClinGen allele CA368124379.
Genomic context (GRCh38, chr7:92,002,467, plus strand): 5'-GGACCTCAAACAACAATGTATTCAGCTAAATGAAGAGATTGAAAAGCAAAGGAACACTTT[T>G]TCATTTGCTGAAAAAAACTTTGAAGTTAACTATCAAGAGTTACAAGAGGAGTATGCTTGC-3'
Protein context (NP_005742.4, residues 840-860): NEEIEKQRNT[Phe850Leu]SFAEKNFEVN